The following is an entry in ClinVar:

ClinVar aggregate classification (germline): Uncertain significance (1 of 4 stars; one submission).

gnomAD v4.1: 3 of 1,613,928 alleles (0.00019%); highest among the groups gnomAD compares: Non-Finnish European, 0.00025%; no homozygotes.

Submission:

Dasa
Classification: Uncertain significance. Last evaluated: 2025-09-10. Review status: criteria provided, single submitter. Criteria: DASA Assertion Criteria. Collection method: clinical testing. Allele origin: germline.
Comment: NM_205850.3(SLC24A5):c.122-2A>G affects a canonical splice site and is predicted to disrupt normal RNA splicing. This variant is rare in population databases. The currently available literature and clinical evidence are not sufficient to establish a definitive association between this variant and the reported condition. Therefore, this variant is classified as a variant of uncertain significance.

NM_205850.3(SLC24A5):c.122-2A>G

Gene: SLC24A5 (solute carrier family 24 member 5; plus strand). Cytogenetic location: 15q21.1.
Variant type: single nucleotide variant.
Coding change: c.122-2A>G on transcript NM_205850.3 (MANE Select); the canonical splice acceptor site of the intron before coding-DNA position 122, A replaced by G.
Molecular consequence: splice acceptor variant.
Genome position (GRCh38, 1-based): chr15:48,121,855, A>G. VCF-style: chr15-48121855-A-G. GRCh37 (hg19) VCF-style: chr15-48414052-A-G.
Identifiers: ClinVar variation 4885872 (VCV004885872.2).
Genomic context (GRCh38, chr15:48,121,855, plus strand): 5'-TCTGTGGGCTTGGAATGTGTGACTCCAAACTCTTCAAACTTTCACCTCCTTTTCCTTAAC[A>G]GGAAATAGCACCCAATGTGTTATTTCTCCATCATCGGAGTTTCCCGAAGGGTTTTTCACG-3'